The following is an entry in ClinVar:

NM_175914.5(HNF4A):c.*305A>G

Gene: HNF4A (hepatocyte nuclear factor 4 alpha; plus strand). Cytogenetic location: 20q13.12.
Variant type: single nucleotide variant.
Coding change: c.*305A>G on transcript NM_175914.5 (MANE Select); 305 bases downstream of the stop codon, A replaced by G.
Molecular consequence: 3 prime UTR variant.
Genome position (GRCh38, 1-based): chr20:44,429,970, A>G. VCF-style: chr20-44429970-A-G. GRCh37 (hg19) VCF-style: chr20-43058610-A-G.
Other names: c.*305A>G (NM_000457.6, NM_001030003.3, NM_001258355.2 and 3 more transcripts).
Identifiers: ClinVar variation 338439 (VCV000338439.8), dbSNP rs56343153, ClinGen allele CA10653119.

ClinVar aggregate classification (germline): Benign/Likely benign. Review status: criteria provided, multiple submitters, no conflicts (2 of 4 stars). 4 submissions from 3 submitters: Benign (3); Likely benign (1). Last evaluated 2018-09-04.

Conditions:
Familial hyperinsulinism. Also called: Congenital hyperinsulinism. Identifiers: Orphanet 276525, MedGen C3888018, MONDO:0017182. Disease mechanism: loss of function.
Maturity-onset diabetes of the young type 1. Also called: MILD JUVENILE DIABETES MELLITUS; MODY, type I; MODY type 1; Diabetes mellitus MODY type 1; MODY HNF4A related; HNF4A-Related Maturity-Onset Diabetes of the Young Type 1. Identifiers: Orphanet 552, MedGen C1852093, MONDO:0007452, OMIM 125850. Disease mechanism: loss of function.
Maturity-onset diabetes of the young (MODY). Also called: Maturity onset diabetes mellitus in young. Identifiers: Orphanet 552, MedGen C0342276, MONDO:0018911, HP:0004904.

Allele frequency attached by ClinVar (database versions not stated): gnomAD 0.03799 and 0.04078; 1000 Genomes Project 0.03974; TOPMed 0.04208; 1000 Genomes Project 30x 0.04325.

Submissions (4):

GeneDx
Classification: Benign. Last evaluated: 2018-09-04. Review status: criteria provided, single submitter. Criteria: GeneDx Variant Classification Process June 2021. Collection method: clinical testing. Allele origin: germline. Affected: yes.

Illumina Laboratory Services, Illumina
Classification: Benign for Familial hyperinsulinism. Last evaluated: 2018-01-12. Review status: criteria provided, single submitter. Criteria: ICSL Variant Classification Criteria 13 December 2019. Collection method: clinical testing. Allele origin: germline.
Comment: This variant was observed in the ICSL laboratory as part of a predisposition screen in an ostensibly healthy population. It had not been previously curated by ICSL or reported in the Human Gene Mutation Database (HGMD: prior to June 1st, 2018), and was therefore a candidate for classification through an automated scoring system. Utilizing variant allele frequency, disease prevalence and penetrance estimates, and inheritance mode, an automated score was calculated to assess if this variant is too frequent to cause the disease. Based on the score and internal cut-off values, a variant classified as benign is not then subjected to further curation. The score for this variant resulted in a classification of benign for this disease.

Illumina Laboratory Services, Illumina
Classification: Benign for Maturity-onset diabetes of the young type 1. Last evaluated: 2018-01-12. Review status: criteria provided, single submitter. Criteria: ICSL Variant Classification Criteria 13 December 2019. Collection method: clinical testing. Allele origin: germline.
Comment: the same text as in the submission from Illumina Laboratory Services, Illumina above.

Clinical Genomics, Uppaluri K&H Personalized Medicine Clinic
Classification: Likely benign for Maturity-onset diabetes of the young. Review status: criteria provided, single submitter. Criteria: K & H Uppaluri Personalized Medicine Clinic Variant Classification & Assertion Criteria_Updated V.1. Collection method: research. Allele origin: unknown. Inheritance: Autosomal dominant inheritance.
Comment: Potent mutations in HNF4A are associated with poor insulin secretion in response to hyperglycemia. Associated with MODY1. Patients initially respond well to sulfonylureas but eventually become insulin dependent. However, more evidence is required to ascertain the role of this particular variant rs56343153 in MODY, yet.

Literature cited by the submitters: PubMed 18268044 (cited by Clinical Genomics, Uppaluri K&H Personalized Medicine Clinic); PubMed 17563455 (cited by Clinical Genomics, Uppaluri K&H Personalized Medicine Clinic); PubMed 32583173 (cited by Clinical Genomics, Uppaluri K&H Personalized Medicine Clinic); PubMed 35052457 (cited by Clinical Genomics, Uppaluri K&H Personalized Medicine Clinic); PubMed 35118593 (cited by Clinical Genomics, Uppaluri K&H Personalized Medicine Clinic); DOI 10.1159/000334532 (cited by Clinical Genomics, Uppaluri K&H Personalized Medicine Clinic).